The following is an entry in ClinVar:

NC_000007.13:g.(?_69364252)_(69583239_?)del

Gene: AUTS2 (activator of transcription and developmental regulator AUTS2; plus strand). Cytogenetic location: 7q11.22.
Variant type: Deletion.
Identifiers: ClinVar variation 3245910 (VCV003245910.1).

ClinVar aggregate classification (germline): Uncertain significance (1 of 4 stars; one submission).

Submission:

Labcorp Genetics (formerly Invitae), Labcorp
Classification: Uncertain significance. Last evaluated: 2023-09-19. Review status: criteria provided, single submitter. Criteria: Invitae Variant Classification Sherloc (09022015). Collection method: clinical testing. Allele origin: unknown.
Comment: This variant is a gross deletion of the genomic region encompassing exon(s) 2-3 of the AUTS2 gene. This variant would be expected to be in-frame, preserving the integrity of the reading frame. This variant has not been reported in the literature in individuals affected with AUTS2-related conditions. Experimental studies and prediction algorithms are not available or were not evaluated, and the functional significance of this variant is currently unknown. In summary, the available evidence is currently insufficient to determine the role of this variant in disease. Therefore, it has been classified as a Variant of Uncertain Significance.